The following is an entry in ClinVar:

NM_000255.4(MMUT):c.29del (p.Leu10fs)

Gene: MMUT (methylmalonyl-CoA mutase; minus strand). Cytogenetic location: 6p12.3.
Variant type: Deletion.
Coding change: c.29del on transcript NM_000255.4 (MANE Select); coding-DNA position 29, one base deleted (T; older notation c.29delT).
Protein change: p.Leu10fs; shifts the reading frame from leucine 10.
Molecular consequence: frameshift variant.
Genome position (GRCh38, 1-based): chr6:49,459,438, A deleted on the plus strand (T on the coding strand, the reverse complement: MMUT is on the minus strand); the first of 7 consecutive A bases (chr6:49,459,438-49,459,444); deleting any one gives the same sequence. VCF-style (leftmost placement, unchanged base first): chr6-49459437-TA-T. GRCh37 (hg19) VCF-style: chr6-49427150-TA-T.
Other names: short protein forms L10fs.
Identifiers: ClinVar variation 1072649 (VCV001072649.8), dbSNP rs1437477079, ClinGen allele CA645546401.
Genomic context (GRCh38, chr6:49,459,437, plus strand): 5'-TTGCTGTATGAGCCTGGAGCCTGATGATTCTTTTACCTGCCTCAGGTAATGAGGTGAAAG[TA>T]AAAAAAGCTGATTCTTAGCTCTTAACATGGTGGAGCATGGAAACACCCAATAGAAATAAG-3'

ClinVar aggregate classification (germline): Pathogenic/Likely pathogenic. Review status: criteria provided, multiple submitters, no conflicts (2 of 4 stars). 2 submissions from 2 submitters: Pathogenic (1); Likely pathogenic (1). Last evaluated 2021-12-18.

Conditions:
Methylmalonic aciduria due to methylmalonyl-CoA mutase deficiency (MAMM). Also called: Methylmalonic aciduria, mut type. Identifiers: Orphanet 27, MedGen C1855114, MONDO:0009612, OMIM 251000.

Submissions (2):

Fulgent Genetics
Classification: Likely pathogenic for Methylmalonic aciduria due to methylmalonyl-CoA mutase deficiency. Last evaluated: 2021-12-18. Review status: criteria provided, single submitter. Criteria: ACMG Guidelines, 2015. Collection method: clinical testing. Allele origin: unknown.

Labcorp Genetics (formerly Invitae), Labcorp
Classification: Pathogenic. Last evaluated: 2020-04-21. Review status: criteria provided, single submitter. Criteria: Invitae Variant Classification Sherloc (09022015). Collection method: clinical testing. Allele origin: germline.
Comment: For these reasons, this variant has been classified as Pathogenic. Loss-of-function variants in MUT are known to be pathogenic (PMID: 15781192). This variant has not been reported in the literature in individuals with MUT-related conditions. This variant is not present in population databases (ExAC no frequency). This sequence change creates a premature translational stop signal (p.Leu10Tyrfs*7) in the MUT gene. It is expected to result in an absent or disrupted protein product.

Literature cited by the submitters: PubMed 15781192 (cited by Labcorp Genetics (formerly Invitae), Labcorp).